The following is an entry in ClinVar:

ClinVar aggregate classification (germline): Uncertain significance (1 of 4 stars; one submission).

Submission:

Women's Health and Genetics/Laboratory Corporation of America, LabCorp
Classification: Uncertain significance. Last evaluated: 2026-06-05. Review status: criteria provided, single submitter. Criteria: LabCorp Variant Classification Summary - May 2015. Collection method: clinical testing. Allele origin: germline.
Comment: Variant summary: The variant involves the duplication of exons 1-3 in the CACNA2D1 gene. A presumed nomenclature of c.(?_-319)_(294+1_295-1)dup has been designated for the purposes of this classification. The exact breakpoint at the 5' end of this variant is unknown, therefore this duplication may extend upstream of the annotated region of this gene. It is predicted to duplicate a segment including the initiation codon, therefore its impact on the encoded protein is unknown. The variant was absent in 21694 control chromosomes (gnomAD SV database). The available data on variant occurrences in the general population are insufficient to allow any conclusion about variant significance. To our knowledge, no occurrence of c.(?_-319)_(294+1_295-1)dup in individuals affected with CACNA2D1-related conditions and no experimental evidence demonstrating its impact on protein function have been reported. ClinVar contains an entry for this variant (Variation ID: 3245741). Based on the evidence outlined above, the variant was classified as uncertain significance.

NC_000007.13:g.(81799926_81964450)_(82073094_?)dup

Gene: CACNA2D1 (calcium voltage-gated channel auxiliary subunit alpha2delta 1; minus strand). Cytogenetic location: 7q21.11.
Variant type: Duplication.
Identifiers: ClinVar variation 4887473 (VCV004887473.1).